The following is an entry in ClinVar:

NM_000038.6(APC):c.2015A>T (p.His672Leu)

Gene: APC (APC regulator of Wnt signaling pathway; plus strand). Cytogenetic location: 5q22.2.
Variant type: single nucleotide variant.
Coding change: c.2015A>T on transcript NM_000038.6 (MANE Select); coding-DNA position 2015, A replaced by T.
Protein change: p.His672Leu; replaces histidine 672 with leucine.
Molecular consequence: missense variant.
Genome position (GRCh38, 1-based): chr5:112,837,609, A>T. VCF-style: chr5-112837609-A-T. GRCh37 (hg19) VCF-style: chr5-112173306-A-T.
Other names: c.2015A>T, p.His672Leu (NM_001127510.3, NM_001354895.2); c.1961A>T, p.His654Leu (NM_001127511.3); c.2069A>T, p.His690Leu (NM_001354896.2); c.2045A>T, p.His682Leu (NM_001354897.2); c.1940A>T, p.His647Leu (NM_001354898.2); c.1931A>T, p.His644Leu (NM_001354899.2); c.1892A>T, p.His631Leu (NM_001354900.2); c.1838A>T, p.His613Leu (NM_001354901.2); and 5 more; short protein forms H389L, H571L, H647L, H682L, H546L, H613L, H672L, H690L.
Identifiers: ClinVar variation 927762 (VCV000927762.8), dbSNP rs1003813738, ClinGen allele CA16025724.

ClinVar aggregate classification (germline): Uncertain significance. Review status: criteria provided, multiple submitters, no conflicts (2 of 4 stars). 3 submissions from 3 submitters: Uncertain significance (3). Last evaluated 2025-04-23.

Conditions:
Hereditary cancer-predisposing syndrome. Also called: Neoplastic Syndromes, Hereditary; Hereditary Cancer Syndrome; Tumor predisposition; Hereditary neoplastic syndrome. Identifiers: Orphanet 140162, MedGen C0027672, MeSH D009386, MONDO:0015356.
Familial adenomatous polyposis 1 (FAP1). Also called: FAMILIAL ADENOMATOUS POLYPOSIS 1, ATTENUATED; POLYPOSIS, ADENOMATOUS INTESTINAL. Identifiers: MedGen C2713442, MONDO:0021056, OMIM 175100. Disease mechanism: loss of function.

Allele frequency attached by ClinVar (database versions not stated): TOPMed below 0.00001; gnomAD 0.00001.
gnomAD v4.1: 1 of 1,611,232 alleles (0.000062%); highest among the groups gnomAD compares: African/African-American, 0.0013%; no homozygotes.

Submissions (3):

Labcorp Genetics (formerly Invitae), Labcorp
Classification: Uncertain significance for Familial adenomatous polyposis 1. Last evaluated: 2025-04-23. Review status: criteria provided, single submitter. Criteria: Invitae Variant Classification Sherloc (09022015). Collection method: clinical testing. Allele origin: germline.
Comment: This sequence change replaces histidine, which is basic and polar, with leucine, which is neutral and non-polar, at codon 672 of the APC protein (p.His672Leu). This variant is not present in population databases (gnomAD no frequency). This variant has not been reported in the literature in individuals affected with APC-related conditions. ClinVar contains an entry for this variant (Variation ID: 927762). Invitae Evidence Modeling of protein sequence and biophysical properties (such as structural, functional, and spatial information, amino acid conservation, physicochemical variation, residue mobility, and thermodynamic stability) indicates that this missense variant is not expected to disrupt APC protein function with a negative predictive value of 95%. In summary, the available evidence is currently insufficient to determine the role of this variant in disease. Therefore, it has been classified as a Variant of Uncertain Significance.

Color Diagnostics, LLC DBA Color Health
Classification: Uncertain significance for Hereditary cancer-predisposing syndrome. Last evaluated: 2023-12-04. Review status: criteria provided, single submitter. Criteria: ACMG Guidelines, 2015. Collection method: clinical testing. Allele origin: germline.
Comment: This missense variant replaces histidine with leucine at codon 672 of the APC protein. Computational prediction is inconclusive regarding the impact of this variant on protein structure and function (internally defined REVEL score threshold 0.5 < inconclusive < 0.7, PMID: 27666373). To our knowledge, functional studies have not been reported for this variant. This variant has not been reported in individuals affected with APC-related disorders in the literature. This variant has not been identified in the general population by the Genome Aggregation Database (gnomAD). The available evidence is insufficient to determine the role of this variant in disease conclusively. Therefore, this variant is classified as a Variant of Uncertain Significance.

Ambry Genetics
Classification: Uncertain significance for Hereditary cancer-predisposing syndrome. Last evaluated: 2022-05-30. Review status: criteria provided, single submitter. Criteria: Ambry Variant Classification Scheme 2023. Collection method: clinical testing. Allele origin: germline.
Comment: The p.H672L variant (also known as c.2015A>T), located in coding exon 15 of the APC gene, results from an A to T substitution at nucleotide position 2015. The histidine at codon 672 is replaced by leucine, an amino acid with similar properties. This amino acid position is conserved. In addition, in silico predictors for this gene do not accurately predict pathogenicity. Since supporting evidence is limited at this time, the clinical significance of this alteration remains unclear.